The following is an entry in ClinVar:

ClinVar aggregate classification (germline): Benign. Review status: criteria provided, multiple submitters, no conflicts (2 of 4 stars). 3 submissions from 3 submitters: Benign (2). 1 of the submissions does not count toward it. Last evaluated 2019-12-31.

Conditions:
DNAH2-related disorder. Also called: DNAH2-related condition.

Allele frequency attached by ClinVar (database versions not stated): gnomAD exomes 0.00243 and 0.00586; ExAC 0.00676; gnomAD 0.02027 and 0.02176; ESP Exome Variant Server 0.02207; 1000 Genomes Project 0.02236; TOPMed 0.02392; 1000 Genomes Project 30x 0.02530.
gnomAD v4.1: 6,820 of 1,614,004 alleles (0.42%); highest among the groups gnomAD compares: African/African-American, 6.9%; 186 homozygotes.

Submissions (3):

Labcorp Genetics (formerly Invitae), Labcorp
Classification: Benign. Last evaluated: 2019-12-31. Review status: criteria provided, single submitter. Criteria: Invitae Variant Classification Sherloc (09022015). Collection method: clinical testing. Allele origin: germline.

Breakthrough Genomics
Classification: Benign. Review status: criteria provided, single submitter. Criteria: ACMG Guidelines, 2015. Collection method: not provided. Allele origin: germline. Inheritance: Autosomal recessive inheritance. Affected: yes.

PreventionGenetics, part of Exact Sciences
Classification: Benign for DNAH2-related condition. Last evaluated: 2019-02-22. Review status: no assertion criteria provided. Collection method: clinical testing. Allele origin: germline. Not counted in ClinVar's aggregate classification.
Comment: This variant is classified as benign based on ACMG/AMP sequence variant interpretation guidelines (Richards et al. 2015 PMID: 25741868, with internal and published modifications).

NM_020877.5(DNAH2):c.6628G>A (p.Asp2210Asn)

Gene: DNAH2 (dynein axonemal heavy chain 2; plus strand). Cytogenetic location: 17p13.1.
Variant type: single nucleotide variant.
Coding change: c.6628G>A on transcript NM_020877.5 (MANE Select); coding-DNA position 6628, G replaced by A.
Protein change: p.Asp2210Asn; replaces aspartic acid 2210 with asparagine.
Molecular consequence: missense variant.
Genome position (GRCh38, 1-based): chr17:7,787,884, G>A. VCF-style: chr17-7787884-G-A. GRCh37 (hg19) VCF-style: chr17-7691202-G-A.
Other names: short protein forms D2210N.
Identifiers: ClinVar variation 777123 (VCV000777123.7), dbSNP rs77431839, ClinGen allele CA8357817.